The following is an entry in ClinVar:

NM_025193.4(HSD3B7):c.968C>T (p.Thr323Met)

Gene: HSD3B7 (hydroxy-delta-5-steroid dehydrogenase, 3 beta- and steroid delta-isomerase 7; plus strand). Cytogenetic location: 16p11.2.
Variant type: single nucleotide variant.
Coding change: c.968C>T on transcript NM_025193.4 (MANE Select); coding-DNA position 968, C replaced by T.
Protein change: p.Thr323Met; replaces threonine 323 with methionine.
Molecular consequence: missense variant. On other transcripts: 3 prime UTR variant (2).
Genome position (GRCh38, 1-based): chr16:30,988,041, C>T. VCF-style: chr16-30988041-C-T. GRCh37 (hg19) VCF-style: chr16-30999362-C-T.
Other names: c.*214C>T (NM_001142777.2, NM_001142778.2); c.968C>T (NM_025193.3); short protein forms T323M.
Identifiers: ClinVar variation 2582472 (VCV002582472.2), dbSNP rs775593829, ClinGen allele CA8018148.
Genomic context (GRCh38, chr16:30,988,041, plus strand): 5'-CCCTGCTGCAGTGGCTGCTGCGGCCACTGGTGCTCTACGCACCCCTGCTGAACCCCTACA[C>T]GCTGGCCGTGGCCAACACCACCTTCACCGTCAGCACCGACAAGGCTCAGCGCCATTTCGG-3'
Protein context (NP_079469.2, residues 313-333): VLYAPLLNPY[Thr323Met]LAVANTTFTV

ClinVar aggregate classification (germline): Uncertain significance. Review status: criteria provided, multiple submitters, no conflicts (2 of 4 stars). 2 submissions from 2 submitters: Uncertain significance (2). Last evaluated 2026-01-27.

Conditions:
HSD3B7-related disorder. Also called: HSD3B7-related condition.
Congenital bile acid synthesis defect 1 (CBAS1). Also called: 3-BETA-HYDROXY-DELTA-5-C27-STEROID OXIDOREDUCTASE DEFICIENCY. Identifiers: Orphanet 79301, MedGen C1843116, MONDO:0011906, OMIM 607765.

Allele frequency attached by ClinVar (database versions not stated): gnomAD 0.00001; gnomAD exomes 0.00001; TOPMed 0.00001; ExAC 0.00003.

Submissions (2):

PreventionGenetics, part of Exact Sciences
Classification: Uncertain significance for HSD3B7-related condition. Last evaluated: 2026-01-27. Review status: criteria provided, single submitter. Criteria: ACMG Guidelines, 2015. Collection method: clinical testing. Allele origin: germline.
Comment: The HSD3B7 c.968C>T variant is predicted to result in the amino acid substitution p.Thr323Met. This variant has been reported as homozygous in an individual with 3 beta-hydroxysteroid oxidoreductase deficiency (Zhao et al. 2021. PubMed ID: 34627351). This variant is reported in 0.0035% of alleles in individuals of European (Non-Finnish) descent in gnomAD. At this time, the clinical significance of this variant is uncertain due to the absence of conclusive functional and genetic evidence.

Baylor Genetics
Classification: Uncertain significance for Congenital bile acid synthesis defect 1. Last evaluated: 2023-02-16. Review status: criteria provided, single submitter. Criteria: ACMG Guidelines, 2015. Collection method: clinical testing. Allele origin: unknown.